The following is an entry in ClinVar:

ClinVar aggregate classification (germline): Uncertain significance (1 of 4 stars; one submission).

Conditions:
Marfan syndrome (MFS). Also called: FBN1-Related Marfan Syndrome; MARFAN SYNDROME, TYPE I; Marfan syndrome type 1; Marfan's syndrome; Marfan syndrome, classic. Identifiers: Orphanet 284963, Orphanet 558, MedGen C0024796, MONDO:0007947, OMIM 154700.
Familial thoracic aortic aneurysm and aortic dissection (TAAD). Also called: Thoracic aortic aneurysms and dissections. Identifiers: Orphanet 91387, MedGen C4707243, MONDO:0019625.

gnomAD v4.1: 1 of 1,613,780 alleles (0.000062%); highest among the groups gnomAD compares: African/African-American, 0.0013%; no homozygotes.

Submission:

Labcorp Genetics (formerly Invitae), Labcorp
Classification: Uncertain significance for Marfan syndrome; Familial thoracic aortic aneurysm and aortic dissection. Last evaluated: 2026-01-27. Review status: criteria provided, single submitter. Criteria: Invitae Variant Classification Sherloc (09022015). Collection method: clinical testing. Allele origin: germline.
Comment: This sequence change replaces threonine, which is neutral and polar, with alanine, which is neutral and non-polar, at codon 2180 of the FBN1 protein (p.Thr2180Ala). This variant is not present in population databases (gnomAD no frequency). This missense change has been observed in individual(s) with FBN1-related conditions (internal data). Invitae Evidence Modeling of protein sequence and biophysical properties (such as structural, functional, and spatial information, amino acid conservation, physicochemical variation, residue mobility, and thermodynamic stability) indicates that this missense variant is expected to disrupt FBN1 protein function with a positive predictive value of 95%. In summary, the available evidence is currently insufficient to determine the role of this variant in disease. Therefore, it has been classified as a Variant of Uncertain Significance.

NM_000138.5(FBN1):c.6538A>G (p.Thr2180Ala)

Gene: FBN1 (fibrillin 1; minus strand). Cytogenetic location: 15q21.1.
Variant type: single nucleotide variant.
Coding change: c.6538A>G on transcript NM_000138.5 (MANE Select); coding-DNA position 6538, A replaced by G.
Protein change: p.Thr2180Ala; replaces threonine 2180 with alanine.
Molecular consequence: missense variant.
Genome position (GRCh38, 1-based): chr15:48,434,672, T>C on the plus strand (A>G on the coding strand, the complement: FBN1 is on the minus strand). VCF-style: chr15-48434672-T-C. GRCh37 (hg19) VCF-style: chr15-48726869-T-C.
Other names: c.6538A>G, p.Thr2180Ala (NM_001406716.1); short protein forms T2180A.
Identifiers: ClinVar variation 4789638 (VCV004789638.1).